The following is an entry in ClinVar:

NC_000023.10:g.(?_119580140)_(119580302_?)del

Gene: LAMP2 (lysosome associated membrane protein 2; minus strand). Cytogenetic location: Xq24.
Variant type: Deletion.
Identifiers: ClinVar variation 3244061 (VCV003244061.1).

ClinVar aggregate classification (germline): Pathogenic (1 of 4 stars; one submission).

Conditions:
Danon disease. Also called: ANTOPOL DISEASE; PSEUDOGLYCOGENOSIS II; GSD IIb; LYSOSOMAL GLYCOGEN STORAGE DISEASE WITHOUT ACID MALTASE DEFICIENCY; Glycogen Storage Disease Type IIb. Identifiers: Orphanet 34587, MedGen C0878677, MONDO:0010281, OMIM 300257.

Submission:

Labcorp Genetics (formerly Invitae), Labcorp
Classification: Pathogenic for Danon disease. Last evaluated: 2023-04-18. Review status: criteria provided, single submitter. Criteria: Invitae Variant Classification Sherloc (09022015). Collection method: clinical testing. Allele origin: unknown.
Comment: For these reasons, this variant has been classified as Pathogenic. This variant disrupts a region of the LAMP2 protein in which other variant(s) (p.Leu272Pro) have been observed in individuals with LAMP2-related conditions (PMID: 30959184). This suggests that this is a clinically significant region of the protein, and that variants that disrupt it are likely to be disease-causing. Experimental studies have shown that a similar copy number variant affects LAMP2 function (PMID: 34459252). Algorithms developed to predict the effect of variants on protein structure and function are not available or were not evaluated for this variant. A similar copy number variant has been observed in individual(s) with clinical features consistent with Danon disease (Invitae). In at least one individual the variant was observed to be de novo. This variant is a gross deletion of the genomic region encompassing exon(s) 6 of the LAMP2 gene. This variant would be expected to be in-frame, preserving the integrity of the reading frame.

Literature cited by the submitters: PubMed 30959184; PubMed 34459252.